The following is an entry in ClinVar:

ClinVar aggregate classification (germline): Uncertain significance (1 of 4 stars; one submission).

Submission:

Labcorp Genetics (formerly Invitae), Labcorp
Classification: Uncertain significance. Last evaluated: 2025-07-21. Review status: criteria provided, single submitter. Criteria: Invitae Variant Classification Sherloc (09022015). Collection method: clinical testing. Allele origin: germline.
Comment: This sequence change replaces phenylalanine, which is neutral and non-polar, with serine, which is neutral and polar, at codon 381 of the SLC12A1 protein (p.Phe381Ser). This variant is not present in population databases (gnomAD no frequency). This variant has not been reported in the literature in individuals affected with SLC12A1-related conditions. ClinVar contains an entry for this variant (Variation ID: 1716703). Invitae Evidence Modeling of protein sequence and biophysical properties (such as structural, functional, and spatial information, amino acid conservation, physicochemical variation, residue mobility, and thermodynamic stability) indicates that this missense variant is expected to disrupt SLC12A1 protein function with a positive predictive value of 80%. In summary, the available evidence is currently insufficient to determine the role of this variant in disease. Therefore, it has been classified as a Variant of Uncertain Significance.

NM_000338.3(SLC12A1):c.1142T>C (p.Phe381Ser)

Gene: SLC12A1 (solute carrier family 12 member 1; plus strand). Cytogenetic location: 15q21.1.
Variant type: single nucleotide variant.
Coding change: c.1142T>C on transcript NM_000338.3 (MANE Select); coding-DNA position 1142, T replaced by C.
Protein change: p.Phe381Ser; replaces phenylalanine 381 with serine.
Molecular consequence: missense variant.
Genome position (GRCh38, 1-based): chr15:48,234,931, T>C. VCF-style: chr15-48234931-T-C. GRCh37 (hg19) VCF-style: chr15-48527128-T-C.
Other names: c.1142T>C, p.Phe381Ser (NM_001184832.2, NM_001384136.1); short protein forms F381S.
Identifiers: ClinVar variation 1716703 (VCV001716703.4), dbSNP rs1473389055, ClinGen allele CA392308582.
Genomic context (GRCh38, chr15:48,234,931, plus strand): 5'-TTGCAGCATCAATATTTGCAGAAAACTTTGGGCCACGCTTCACAAAGGGTGAAGGCTTCT[T>C]CTCTGTCTTTGCCATTTTTTTCCCAGCAGCTACTGGGATTCTTGCTGGTGCCAATATCTC-3'
Protein context (NP_000329.2, residues 371-391): GPRFTKGEGF[Phe381Ser]SVFAIFFPAA